The following is an entry in ClinVar:

NM_000059.4(BRCA2):c.9257-18C>A

Gene: BRCA2 (BRCA2 DNA repair associated; plus strand). Cytogenetic location: 13q13.1.
Variant type: single nucleotide variant.
Coding change: c.9257-18C>A on transcript NM_000059.4 (MANE Select); 18 bases into the intron before coding-DNA position 9257, C replaced by A.
Molecular consequence: intron variant.
Genome position (GRCh38, 1-based): chr13:32,394,671, C>A. VCF-style: chr13-32394671-C-A. GRCh37 (hg19) VCF-style: chr13-32968808-C-A.
Other names: IVS24-18C>A.
Identifiers: ClinVar variation 52791 (VCV000052791.15), dbSNP rs81002807, ClinGen allele CA026063.

ClinVar aggregate classification (germline): Benign/Likely benign. Review status: criteria provided, multiple submitters, no conflicts (2 of 4 stars). 6 submissions from 6 submitters: Benign (1); Likely benign (3). 2 of the submissions do not count toward it. Last evaluated 2025-11-27.

Conditions:
Hereditary breast ovarian cancer syndrome. Also called: Hereditary breast and ovarian cancer syndrome; Hereditary breast and ovarian cancer; Hereditary breast and ovarian cancer syndrome (HBOC); Breast and ovarian cancer; Hereditary breast and/or ovarian cancer syndrome; BRCA1- and BRCA2-Associated Hereditary Breast and Ovarian Cancer. Identifiers: Orphanet 145, MedGen C0677776, MeSH D061325, MONDO:0003582. Disease mechanism: loss of function.
Hereditary cancer-predisposing syndrome. Also called: Neoplastic Syndromes, Hereditary; Tumor predisposition; Hereditary neoplastic syndrome; Hereditary Cancer Syndrome. Identifiers: Orphanet 140162, MedGen C0027672, MeSH D009386, MONDO:0015356.
Breast-ovarian cancer, familial, susceptibility to, 2 (BROVCA2). Also called: BRCA2 Hereditary Breast and Ovarian Cancer. Identifiers: Orphanet 145, MedGen C2675520, MONDO:0012933, OMIM 612555. Disease mechanism: loss of function.

Allele frequency attached by ClinVar (database versions not stated): ExAC 0.00001; gnomAD 0.00001; gnomAD exomes 0.00001; TOPMed 0.00002.
gnomAD v4.1: 10 of 1,607,522 alleles (0.00062%); highest among the groups gnomAD compares: South Asian, 0.0022%; no homozygotes.

Submissions (6):

Labcorp Genetics (formerly Invitae), Labcorp
Classification: Likely benign for Hereditary breast ovarian cancer syndrome. Last evaluated: 2025-11-27. Review status: criteria provided, single submitter. Criteria: Invitae Variant Classification Sherloc (09022015). Collection method: clinical testing. Allele origin: germline.

Women's Health and Genetics/Laboratory Corporation of America, LabCorp
Classification: Likely benign. Last evaluated: 2016-07-22. Review status: criteria provided, single submitter. Criteria: LabCorp Variant Classification Summary - May 2015. Collection method: clinical testing. Allele origin: germline.
Comment: Variant summary: The BRCA2 c.9257-18C>A variant involves the alteration of a non-conserved intronic nucleotide. One in silico tool predicts a benign outcome for this variant. 5/5 splice prediction tools predict no significant impact on normal splicing. This variant is absent in 106186 control chromosomes. This variant has been reported in two BrC patients without strong evidence for causality. In addition, one clinical diagnostic laboratory classified this variant as likely benign, without evidence to independently evaluate. Chen_2006 showed no change on mRNA was detected and this variant was classified as a benign polymorphism. Taken together, this variant is classified as likely benign until more evidence becomes available.

Color Diagnostics, LLC DBA Color Health
Classification: Likely benign for Hereditary cancer-predisposing syndrome. Last evaluated: 2015-03-09. Review status: criteria provided, single submitter. Criteria: ACMG Guidelines, 2015. Collection method: clinical testing. Allele origin: germline.

GeneDx
Classification: Benign. Last evaluated: 2015-03-03. Review status: criteria provided, single submitter. Criteria: GeneDx Variant Classification Process June 2021. Collection method: clinical testing. Allele origin: germline. Affected: yes.

Research Molecular Genetics Laboratory, Women's College Hospital, University of Toronto
Classification: Uncertain significance. Last evaluated: 2014-01-31. Review status: no assertion criteria provided. Collection method: research. Allele origin: germline. Affected: yes. Study: The Canadian Open Genetics Repository (COGR). Not counted in ClinVar's aggregate classification.

Breast Cancer Information Core (BIC) (BRCA2)
Classification: Uncertain significance for Breast-ovarian cancer, familial 2. Review status: no assertion criteria provided. Collection method: clinical testing. Allele origin: germline. Affected: yes. Observed: 1 variant allele. Not counted in ClinVar's aggregate classification.

Literature cited by the submitters: PubMed 21523855 (cited by Women's Health and Genetics/Laboratory Corporation of America, LabCorp); PubMed 25382762 (cited by Women's Health and Genetics/Laboratory Corporation of America, LabCorp); PubMed 16619214 (cited by Women's Health and Genetics/Laboratory Corporation of America, LabCorp).